The following is an entry in ClinVar:

ClinVar aggregate classification (germline): Uncertain risk allele (1 of 4 stars; one submission).

Conditions:
Maturity-onset diabetes of the young (MODY). Also called: Maturity onset diabetes mellitus in young. Identifiers: Orphanet 552, MedGen C0342276, MONDO:0018911, HP:0004904.

Allele frequency attached by ClinVar (database versions not stated): gnomAD exomes below 0.00001; ExAC 0.00001.
gnomAD v4.1: 1 of 1,604,062 alleles (0.000062%); highest among the groups gnomAD compares: Non-Finnish European, 0.000085%; no homozygotes.

Submission:

Clinical Genomics, Uppaluri K&H Personalized Medicine Clinic
Classification: Uncertain risk allele for Maturity-onset diabetes of the young. Review status: criteria provided, single submitter. Criteria: K & H Uppaluri Personalized Medicine Clinic Variant Classification & Assertion Criteria_Updated V.1. Collection method: research. Allele origin: unknown. Inheritance: Autosomal dominant inheritance.
Comment: HNF1B gene mutations are associated with early onset diabetes and pancreatic atrophy. It is also associated with multiple renal manifestations including renal cysts, Tubulointerstitial disease, glomerulocystic disease, renal hypoplasia, hypomagnesemia. However no sufficient evidence is found to ascertain the role of this particular variant rs757044850, yet.

Literature cited by the submitters: PubMed 24897035; PubMed 25536396; PubMed 27615128; PubMed 28215227; PubMed 33434175; PubMed 25741167; PubMed 26340261; PubMed 19639018.

NM_000458.4(HNF1B):c.325G>C (p.Glu109Gln)

Gene: HNF1B (HNF1 homeobox B; minus strand). Cytogenetic location: 17q12.
Variant type: single nucleotide variant.
Coding change: c.325G>C on transcript NM_000458.4 (MANE Select); coding-DNA position 325, G replaced by C.
Protein change: p.Glu109Gln; replaces glutamic acid 109 with glutamine.
Molecular consequence: missense variant.
Genome position (GRCh38, 1-based): chr17:37,744,560, C>G on the plus strand (G>C on the coding strand, the complement: HNF1B is on the minus strand). VCF-style: chr17-37744560-C-G. GRCh37 (hg19) VCF-style: chr17-36104551-C-G.
Other names: c.325G>C, p.Glu109Gln (NM_001165923.4, NM_001304286.2, NM_001411100.1); short protein forms E109Q.
Identifiers: ClinVar variation 1802667 (VCV001802667.1), dbSNP rs757044850, ClinGen allele CA8519115.